The following is an entry in ClinVar:

ClinVar aggregate classification (germline): Uncertain significance (1 of 4 stars; one submission).

Allele frequency attached by ClinVar (database versions not stated): gnomAD exomes below 0.00001.
gnomAD v4.1: 1 of 1,612,024 alleles (0.000062%); highest among the groups gnomAD compares: African/African-American, 0.0013%; no homozygotes.

Submission:

Labcorp Genetics (formerly Invitae), Labcorp
Classification: Uncertain significance. Last evaluated: 2022-07-05. Review status: criteria provided, single submitter. Criteria: Invitae Variant Classification Sherloc (09022015). Collection method: clinical testing. Allele origin: germline.
Comment: This variant is not present in population databases (gnomAD no frequency). In summary, the available evidence is currently insufficient to determine the role of this variant in disease. Therefore, it has been classified as a Variant of Uncertain Significance. Algorithms developed to predict the effect of missense changes on protein structure and function (SIFT, PolyPhen-2, Align-GVGD) all suggest that this variant is likely to be disruptive. This variant has not been reported in the literature in individuals affected with SLC24A5-related conditions. This sequence change replaces valine, which is neutral and non-polar, with aspartic acid, which is acidic and polar, at codon 353 of the SLC24A5 protein (p.Val353Asp).

NM_205850.3(SLC24A5):c.1058T>A (p.Val353Asp)

Genes: MYEF2 (myelin expression factor 2; minus strand), SLC24A5 (solute carrier family 24 member 5; plus strand). Cytogenetic location: 15q21.1.
Variant type: single nucleotide variant.
Coding change: c.1058T>A on transcript NM_205850.3 (MANE Select); coding-DNA position 1058, T replaced by A.
Protein change: p.Val353Asp; replaces valine 353 with aspartic acid.
Molecular consequence: missense variant. On other transcripts: 3 prime UTR variant (2).
Genome position (GRCh38, 1-based): chr15:48,139,155, T>A. VCF-style: chr15-48139155-T-A. GRCh37 (hg19) VCF-style: chr15-48431352-T-A.
Other names: c.*3753A>T (NM_001301210.2, NM_016132.5); short protein forms V353D.
Identifiers: ClinVar variation 2042190 (VCV002042190.4), dbSNP rs2504628806, ClinGen allele CA392453237.